The following is an entry in ClinVar:

NM_001384732.1(CPLANE1):c.2902C>T (p.Pro968Ser)

Gene: CPLANE1 (ciliogenesis and planar polarity effector complex subunit 1; minus strand). Cytogenetic location: 5p13.2.
Variant type: single nucleotide variant.
Coding change: c.2902C>T on transcript NM_001384732.1 (MANE Select); coding-DNA position 2902, C replaced by T.
Protein change: p.Pro968Ser; replaces proline 968 with serine.
Molecular consequence: missense variant.
Genome position (GRCh38, 1-based): chr5:37,213,577, G>A on the plus strand (C>T on the coding strand, the complement: CPLANE1 is on the minus strand). VCF-style: chr5-37213577-G-A. GRCh37 (hg19) VCF-style: chr5-37213679-G-A.
Other names: c.2902C>T, p.Pro968Ser (NM_023073.4); short protein forms P968S.
Identifiers: ClinVar variation 1349541 (VCV001349541.8), dbSNP rs980413221, ClinGen allele CA117047089.

ClinVar aggregate classification (germline): Uncertain significance. Review status: criteria provided, multiple submitters, no conflicts (2 of 4 stars). 4 submissions from 4 submitters: Uncertain significance (4). Last evaluated 2024-06-06.

Conditions:
Joubert syndrome 17 (JBTS17). Identifiers: Orphanet 475, MedGen C3553264, MONDO:0013824, OMIM 614615.
Orofaciodigital syndrome type 6 (OFD6). Also called: Oral-facial-digital syndrome type 6; Central polydactyly cleft lip/palate or lingual lump and psychomotor retardation; Y-shaped central metacarpal and cerebellar defect; Joubert syndrome with orofacialdigital anomalies; OROFACIODIGITAL SYNDROME VI; OFDS VI. Identifiers: Orphanet 2754, MedGen C2745997, MONDO:0010176, OMIM 277170.
Inborn genetic diseases. Identifiers: MedGen C0950123, MeSH D030342.

Allele frequency attached by ClinVar (database versions not stated): gnomAD exomes 0.00002; gnomAD 0.00003; TOPMed 0.00003.
gnomAD v4.1: 45 of 1,542,632 alleles (0.0029%); highest among the groups gnomAD compares: Non-Finnish European, 0.0038%; no homozygotes.

Submissions (4):

Blueprint Genetics
Classification: Uncertain significance. Last evaluated: 2024-06-06. Review status: criteria provided, single submitter. Criteria: ACMG Guidelines, 2015. Collection method: clinical testing. Allele origin: germline.

Labcorp Genetics (formerly Invitae), Labcorp
Classification: Uncertain significance. Last evaluated: 2022-08-22. Review status: criteria provided, single submitter. Criteria: Invitae Variant Classification Sherloc (09022015). Collection method: clinical testing. Allele origin: germline.
Comment: This sequence change replaces proline, which is neutral and non-polar, with serine, which is neutral and polar, at codon 968 of the CPLANE1 protein (p.Pro968Ser). This variant is present in population databases (no rsID available, gnomAD 0.005%). This variant has not been reported in the literature in individuals affected with CPLANE1-related conditions. ClinVar contains an entry for this variant (Variation ID: 1349541). Advanced modeling of protein sequence and biophysical properties (such as structural, functional, and spatial information, amino acid conservation, physicochemical variation, residue mobility, and thermodynamic stability) performed at Invitae indicates that this missense variant is expected to disrupt CPLANE1 protein function. In summary, the available evidence is currently insufficient to determine the role of this variant in disease. Therefore, it has been classified as a Variant of Uncertain Significance.

Fulgent Genetics
Classification: Uncertain significance for Orofaciodigital syndrome type 6; Joubert syndrome 17. Last evaluated: 2022-02-01. Review status: criteria provided, single submitter. Criteria: ACMG Guidelines, 2015. Collection method: clinical testing. Allele origin: unknown.

Ambry Genetics
Classification: Uncertain significance for Inborn genetic diseases. Last evaluated: 2021-06-04. Review status: criteria provided, single submitter. Criteria: Ambry Variant Classification Scheme 2023. Collection method: clinical testing. Allele origin: germline.